The following is an entry in ClinVar:

ClinVar aggregate classification (germline): Uncertain significance. Review status: criteria provided, multiple submitters, no conflicts (2 of 4 stars). 2 submissions from 2 submitters: Uncertain significance (2). Last evaluated 2023-02-24.

Conditions:
Arrhythmogenic right ventricular dysplasia 9 (ARVD9). Also called: ARRHYTHMOGENIC RIGHT VENTRICULAR DYSPLASIA, FAMILIAL, 9; Arrhythmogenic Right Ventricular Dysplasia/Cardiomyopathy 9. Identifiers: MedGen C1836906, MONDO:0012180, OMIM 609040.

Allele frequency attached by ClinVar (database versions not stated): gnomAD 0.00001; ExAC 0.00007; gnomAD exomes 0.00007.
gnomAD v4.1: 63 of 1,613,386 alleles (0.0039%); highest among the groups gnomAD compares: South Asian, 0.069%; 1 homozygote.

Submissions (2):

Labcorp Genetics (formerly Invitae), Labcorp
Classification: Uncertain significance for Arrhythmogenic right ventricular dysplasia 9. Last evaluated: 2023-02-24. Review status: criteria provided, single submitter. Criteria: Invitae Variant Classification Sherloc (09022015). Collection method: clinical testing. Allele origin: germline.
Comment: Algorithms developed to predict the effect of missense changes on protein structure and function output the following: SIFT: "Not Available"; PolyPhen-2: "Benign"; Align-GVGD: "Not Available". The cysteine amino acid residue is found in multiple mammalian species, which suggests that this missense change does not adversely affect protein function. This sequence change replaces tyrosine, which is neutral and polar, with cysteine, which is neutral and slightly polar, at codon 831 of the PKP2 protein (p.Tyr831Cys). This variant is present in population databases (rs200411128, gnomAD 0.06%), and has an allele count higher than expected for a pathogenic variant. This variant has not been reported in the literature in individuals affected with PKP2-related conditions. ClinVar contains an entry for this variant (Variation ID: 191762). In summary, the available evidence is currently insufficient to determine the role of this variant in disease. Therefore, it has been classified as a Variant of Uncertain Significance.

Biesecker Lab/Clinical Genomics Section, National Institutes of Health
Classification: Uncertain significance. Last evaluated: 2013-06-24. Review status: criteria provided, single submitter. Criteria: Ng et al. (Circ Cardiovasc Genet. 2013). Collection method: research. Allele origin: unknown. Observed: 1 variant allele. Study: ClinSeq.
Comment: The study set was not selected for affection status in relation to any cancer. Pathogenicity categories were based on literature curation. See Pubmed ID:23861362 for details.

Medical sequencing

NM_001005242.3(PKP2):c.2360A>G (p.Tyr787Cys)

Gene: PKP2 (plakophilin 2; minus strand). Cytogenetic location: 12p11.21.
Variant type: single nucleotide variant.
Coding change: c.2360A>G on transcript NM_001005242.3 (MANE Select); coding-DNA position 2360, A replaced by G.
Protein change: p.Tyr787Cys; replaces tyrosine 787 with cysteine.
Molecular consequence: missense variant.
Genome position (GRCh38, 1-based): chr12:32,792,729, T>C on the plus strand (A>G on the coding strand, the complement: PKP2 is on the minus strand). VCF-style: chr12-32792729-T-C. GRCh37 (hg19) VCF-style: chr12-32945663-T-C.
Other names: c.2492A>G, p.Tyr831Cys (NM_004572.4); short protein forms Y831C, Y787C.
Identifiers: ClinVar variation 191762 (VCV000191762.4), dbSNP rs200411128, ClinGen allele CA012104.
Genomic context (GRCh38, chr12:32,792,729, plus strand): 5'-GTGTGTGCCCACAGAGAATACAGAAGGACGGAAGCAGCTTTACTTGCTTTGTTGGAGGCA[T>C]AGCTGAAAAGAAAAGGACATTCTGAGATCAGGGAGAATGAGTGAGGCTTCTGGATGCGGC-3'
Protein context (NP_001005242.2, residues 777-797): KIMAISAGDA[Tyr787Cys]ASNKASKAAS